The following is an entry in ClinVar:

ClinVar aggregate classification (germline): Uncertain significance (1 of 4 stars; one submission).

Allele frequency attached by ClinVar (database versions not stated): gnomAD exomes below 0.00001; TOPMed below 0.00001.
gnomAD v4.1: 1 of 1,613,744 alleles (0.000062%); highest among the groups gnomAD compares: Admixed American, 0.0017%; no homozygotes.

Submission:

Labcorp Genetics (formerly Invitae), Labcorp
Classification: Uncertain significance. Last evaluated: 2022-10-24. Review status: criteria provided, single submitter. Criteria: Invitae Variant Classification Sherloc (09022015). Collection method: clinical testing. Allele origin: germline.
Comment: This sequence change replaces aspartic acid, which is acidic and polar, with glycine, which is neutral and non-polar, at codon 100 of the SLC24A1 protein (p.Asp100Gly). This variant is present in population databases (no rsID available, gnomAD 0.003%). This variant has not been reported in the literature in individuals affected with SLC24A1-related conditions. ClinVar contains an entry for this variant (Variation ID: 856900). Algorithms developed to predict the effect of missense changes on protein structure and function output the following: SIFT: "Tolerated"; PolyPhen-2: "Possibly Damaging"; Align-GVGD: "Class C0". The glycine amino acid residue is found in multiple mammalian species, which suggests that this missense change does not adversely affect protein function. In summary, the available evidence is currently insufficient to determine the role of this variant in disease. Therefore, it has been classified as a Variant of Uncertain Significance.

NM_004727.3(SLC24A1):c.299A>G (p.Asp100Gly)

Gene: SLC24A1 (solute carrier family 24 member 1; plus strand). Cytogenetic location: 15q22.31.
Variant type: single nucleotide variant.
Coding change: c.299A>G on transcript NM_004727.3 (MANE Select); coding-DNA position 299, A replaced by G.
Protein change: p.Asp100Gly; replaces aspartic acid 100 with glycine.
Molecular consequence: missense variant.
Genome position (GRCh38, 1-based): chr15:65,624,379, A>G. VCF-style: chr15-65624379-A-G. GRCh37 (hg19) VCF-style: chr15-65916717-A-G.
Other names: c.299A>G, p.Asp100Gly (NM_001301031.1, NM_001301032.1, NM_001301033.2); short protein forms D100G.
Identifiers: ClinVar variation 856900 (VCV000856900.11), dbSNP rs913227340, ClinGen allele CA271587507.